The following is an entry in ClinVar:

NM_018489.3(ASH1L):c.6001A>G (p.Thr2001Ala)

Gene: ASH1L (ASH1 like histone lysine methyltransferase; minus strand). Cytogenetic location: 1q22.
Variant type: single nucleotide variant.
Coding change: c.6001A>G on transcript NM_018489.3 (MANE Select); coding-DNA position 6001, A replaced by G.
Protein change: p.Thr2001Ala; replaces threonine 2001 with alanine.
Molecular consequence: missense variant.
Genome position (GRCh38, 1-based): chr1:155,415,751, T>C on the plus strand (A>G on the coding strand, the complement: ASH1L is on the minus strand). VCF-style: chr1-155415751-T-C. GRCh37 (hg19) VCF-style: chr1-155385542-T-C.
Other names: c.6001A>G, p.Thr2001Ala (NM_001366177.2); short protein forms T2001A.
Identifiers: ClinVar variation 4538658 (VCV004538658.1).

ClinVar aggregate classification (germline): Uncertain significance (1 of 4 stars; one submission).

Submission:

GeneDx
Classification: Uncertain significance. Last evaluated: 2025-06-16. Review status: criteria provided, single submitter. Criteria: GeneDx Variant Classification Process June 2021. Collection method: clinical testing. Allele origin: germline. Affected: yes.
Comment: Not observed at significant frequency in large population cohorts (gnomAD); In silico analysis suggests that this missense variant does not alter protein structure/function; Has not been previously published as pathogenic or benign to our knowledge